The following is an entry in ClinVar:

ClinVar aggregate classification (germline): Pathogenic/Likely pathogenic. Review status: criteria provided, multiple submitters, no conflicts (2 of 4 stars). 3 submissions from 3 submitters: Pathogenic (2); Likely pathogenic (1). Last evaluated 2024-05-14.

Conditions:
Kartagener syndrome (CILD1). Also called: Dextrocardia bronchiectasis and sinusitis; SIEWERT SYNDROME; IMMOTILE CILIA SYNDROME; POLYNESIAN BRONCHIECTASIS; CILIARY DYSKINESIA, PRIMARY, 1; CILIARY DYSKINESIA, PRIMARY, 1, WITH OR WITHOUT SITUS INVERSUS. Identifiers: Orphanet 244, MedGen C4551906, MONDO:0009484, OMIM 244400.
Primary ciliary dyskinesia. Also called: Ciliary dyskinesia. Identifiers: Orphanet 244, MedGen C0008780, MONDO:0016575, HP:0012265.

Allele frequency attached by ClinVar (database versions not stated): ExAC 0.00001; TOPMed below 0.00001; gnomAD exomes below 0.00001.
gnomAD v4.1: 1 of 1,613,862 alleles (0.000062%); highest among the groups gnomAD compares: Non-Finnish European, 0.000085%; no homozygotes.

Submissions (3):

Myriad Genetics, Inc.
Classification: Pathogenic for Kartagener syndrome. Last evaluated: 2024-05-14. Review status: criteria provided, single submitter. Criteria: Myriad Autosomal Dominant, Autosomal Recessive and X-Linked Classification Criteria (2023). Collection method: clinical testing. Allele origin: unknown.
Comment: NM_012144.2(DNAI1):c.1307G>A(W436*) is expected to be pathogenic in the context of primary ciliary dyskinesia, DNAI1-related. This variant is predicted to lead to an abnormal or absent protein product due to the creation of a premature termination codon in DNAI1, a gene where loss-of-function variants are known to be pathogenic. Please note: this variant was assessed in the context of healthy population screening.

Labcorp Genetics (formerly Invitae), Labcorp
Classification: Pathogenic for Primary ciliary dyskinesia. Last evaluated: 2023-09-17. Review status: criteria provided, single submitter. Criteria: Invitae Variant Classification Sherloc (09022015). Collection method: clinical testing. Allele origin: germline.
Comment: This premature translational stop signal has been observed in individual(s) with primary ciliary dyskinesia (PMID: 16858015). This variant is present in population databases (rs769284314, gnomAD 0.0009%). This sequence change creates a premature translational stop signal (p.Trp436*) in the DNAI1 gene. It is expected to result in an absent or disrupted protein product. Loss-of-function variants in DNAI1 are known to be pathogenic (PMID: 16858015, 29363216). For these reasons, this variant has been classified as Pathogenic. ClinVar contains an entry for this variant (Variation ID: 240853).

Fulgent Genetics
Classification: Likely pathogenic for Kartagener syndrome. Last evaluated: 2022-04-14. Review status: criteria provided, single submitter. Criteria: ACMG Guidelines, 2015. Collection method: clinical testing. Allele origin: unknown.

Literature cited by the submitters: PubMed 16858015 (cited by Labcorp Genetics (formerly Invitae), Labcorp); PubMed 29363216 (cited by Labcorp Genetics (formerly Invitae), Labcorp).

NM_012144.4(DNAI1):c.1307G>A (p.Trp436Ter)

Gene: DNAI1 (dynein axonemal intermediate chain 1; plus strand). Cytogenetic location: 9p13.3.
Variant type: single nucleotide variant.
Coding change: c.1307G>A on transcript NM_012144.4 (MANE Select); coding-DNA position 1307, G replaced by A.
Protein change: p.Trp436Ter; replaces tryptophan 436 with a stop codon.
Molecular consequence: nonsense.
Genome position (GRCh38, 1-based): chr9:34,506,870, G>A. VCF-style: chr9-34506870-G-A. GRCh37 (hg19) VCF-style: chr9-34506868-G-A.
Other names: c.1319G>A (NM_001281428.1); c.1319G>A, p.Trp440Ter (NM_001281428.2); short protein forms W436*, W440*.
Identifiers: ClinVar variation 240853 (VCV000240853.10), dbSNP rs769284314, ClinGen allele CA5034342.